The following is an entry in ClinVar:

NM_000287.4(PEX6):c.2364_2365del

Gene: PEX6 (peroxisomal biogenesis factor 6; minus strand). Cytogenetic location: 6p21.1.
Variant type: Microsatellite.
Coding change: c.2364_2365del on transcript NM_000287.4 (MANE Select); coding-DNA positions 2364 to 2365, 2 bases deleted (GT; older notation c.2364_2365delGT).
Molecular consequence: splice acceptor variant.
Genome position (GRCh38, 1-based): chr6:42,965,787-42,965,788, AC deleted on the plus strand (GT on the coding strand, the reverse complement: PEX6 is on the minus strand); deleting any 2 consecutive bases within chr6:42,965,787-42,965,790 gives the same sequence; the c. name uses the placement nearest the transcript's 3' end. VCF-style (leftmost placement, unchanged base first): chr6-42965786-AAC-A. GRCh37 (hg19) VCF-style: chr6-42933524-AAC-A.
Other names: c.2364_2365del (NM_000287.3).
Identifiers: ClinVar variation 632941 (VCV000632941.14), dbSNP rs755716911, ClinGen allele CA3811029.

ClinVar aggregate classification (germline): Pathogenic/Likely pathogenic. Review status: criteria provided, multiple submitters, no conflicts (2 of 4 stars). 4 submissions from 4 submitters: Pathogenic (1); Likely pathogenic (3). Last evaluated 2024-11-10.

Conditions:
Zellweger spectrum disorders (ZS). Also called: Zellweger syndrome; Zellweger Spectrum Disorder; Zellweger Spectrum; Zellweger Spectrum Disorder (ZSD). Identifiers: Orphanet 912, MedGen C0043459, MONDO:0019609.
Heimler syndrome 2 (HMLR2). Also called: PEROXISOME BIOGENESIS DISORDER 4C. Identifiers: Orphanet 3220, MedGen C4225267, OMIM 616617, MONDO:0014709.
Peroxisome biogenesis disorder. Identifiers: Orphanet 79189, MedGen C1832200, MONDO:0019234. Disease mechanism: loss of function.

Submissions (4):

Natera, Inc.
Classification: Likely pathogenic for Zellweger syndrome. Last evaluated: 2024-11-10. Review status: criteria provided, single submitter. Criteria: Natera Variant Classification Schema (03/2026). Collection method: clinical testing. Allele origin: germline.
Comment: The c.2364_2365delGT variant in PEX6 is a frameshift variant predicted to shift the reading frame beginning at codon 789 and leads to a stop codon 14 codons downstream. This variant is expected to result in nonsense mediated decay, truncation, or a dysfunctional protein product. This variant is rare in the general population with a frequency below the threshold expected for the associated phenotype(s). Given the available evidence, this variant is classified as Likely Pathogenic.

Baylor Genetics
Classification: Likely pathogenic for Heimler syndrome 2. Last evaluated: 2024-03-21. Review status: criteria provided, single submitter. Criteria: ACMG Guidelines, 2015. Collection method: clinical testing. Allele origin: unknown.

Labcorp Genetics (formerly Invitae), Labcorp
Classification: Pathogenic for Peroxisome biogenesis disorder. Last evaluated: 2023-10-03. Review status: criteria provided, single submitter. Criteria: Invitae Variant Classification Sherloc (09022015). Collection method: clinical testing. Allele origin: germline.
Comment: This sequence change creates a premature translational stop signal (p.Phe789Cysfs*14) in the PEX6 gene. It is expected to result in an absent or disrupted protein product. Loss-of-function variants in PEX6 are known to be pathogenic (PMID: 10408779, 21031596, 31831025). This variant is present in population databases (rs755716911, gnomAD 0.03%). This variant has not been reported in the literature in individuals affected with PEX6-related conditions. ClinVar contains an entry for this variant (Variation ID: 632941). For these reasons, this variant has been classified as Pathogenic.

Women's Health and Genetics/Laboratory Corporation of America, LabCorp
Classification: Likely pathogenic for Peroxisome biogenesis disorders, Zellweger syndrome spectrum. Last evaluated: 2018-04-06. Review status: criteria provided, single submitter. Criteria: LabCorp Variant Classification Summary - May 2015. Collection method: clinical testing. Allele origin: germline.
Comment: Variant summary: PEX6 c.2364_2365delGT (p.Phe789CysfsX14) results in a premature termination codon, predicted to cause a truncation of the encoded protein or absence of the protein due to nonsense mediated decay, which are commonly known mechanisms for disease. The variant allele was found at a frequency of 3.3e-05 in 246072 control chromosomes. This frequency is not higher than expected for a pathogenic variant in PEX6 causing Zellweger Syndrome (3.3e-05 vs 0.0019), allowing no conclusion about variant significance. To our knowledge, no occurrence of c.2364_2365delGT in individuals affected with Zellweger Syndrome and no experimental evidence demonstrating its impact on protein function have been reported. No clinical diagnostic laboratories have submitted clinical-significance assessments for this variant to ClinVar after 2014. Based on the evidence outlined above, the variant was classified as likely pathogenic.

Literature cited by the submitters: PubMed 10408779 (cited by Labcorp Genetics (formerly Invitae), Labcorp); PubMed 21031596 (cited by Labcorp Genetics (formerly Invitae), Labcorp); PubMed 31831025 (cited by Labcorp Genetics (formerly Invitae), Labcorp).